The following is an entry in ClinVar:

NM_004006.3(DMD):c.6367G>C (p.Ala2123Pro)

Gene: DMD (dystrophin; minus strand). Cytogenetic location: Xp21.1.
Variant type: single nucleotide variant.
Coding change: c.6367G>C on transcript NM_004006.3 (MANE Select); coding-DNA position 6367, G replaced by C.
Protein change: p.Ala2123Pro; replaces alanine 2123 with proline.
Molecular consequence: missense variant.
Genome position (GRCh38, 1-based): chrX:32,216,987, C>G on the plus strand (G>C on the coding strand, the complement: DMD is on the minus strand). VCF-style: chrX-32216987-C-G. GRCh37 (hg19) VCF-style: chrX-32235104-C-G.
Other names: c.6343G>C, p.Ala2115Pro (NM_000109.4); c.6355G>C, p.Ala2119Pro (NM_004009.3); c.5998G>C, p.Ala2000Pro (NM_004010.3); c.2344G>C, p.Ala782Pro (NM_004011.4); c.2335G>C, p.Ala779Pro (NM_004012.4); short protein forms A2123P, A779P, A2119P, A2000P, A2115P, A782P.
Identifiers: ClinVar variation 1389946 (VCV001389946.7), dbSNP rs2147865559, ClinGen allele CA412660629.
Genomic context (GRCh38, chrX:32,216,987, plus strand): 5'-ATTTGTATTTAGCATGTTCCCAATTCTCAGGAATTTGTGTCTTTCTGAGAAACTGTTCAG[C>G]TTCTGTTAGCCACTGATTAAATATCTTTATATCATAATGAAAACGCCGCCATTTCTCAAC-3'
Protein context (NP_003997.2, residues 2113-2133): IKIFNQWLTE[Ala2123Pro]EQFLRKTQIP

ClinVar aggregate classification (germline): Uncertain significance (1 of 4 stars; one submission).

Conditions:
Duchenne muscular dystrophy (DMD). Also called: MUSCULAR DYSTROPHY, PSEUDOHYPERTROPHIC PROGRESSIVE, DUCHENNE TYPE; Duchenne Muscular Dystrophy (DMD). Identifiers: Orphanet 98896, MedGen C0013264, MONDO:0010679, OMIM 310200.

Submission:

Labcorp Genetics (formerly Invitae), Labcorp
Classification: Uncertain significance for Duchenne muscular dystrophy. Last evaluated: 2024-10-22. Review status: criteria provided, single submitter. Criteria: Invitae Variant Classification Sherloc (09022015). Collection method: clinical testing. Allele origin: germline.
Comment: This sequence change replaces alanine, which is neutral and non-polar, with proline, which is neutral and non-polar, at codon 2123 of the DMD protein (p.Ala2123Pro). This variant is not present in population databases (gnomAD no frequency). This variant has not been reported in the literature in individuals affected with DMD-related conditions. ClinVar contains an entry for this variant (Variation ID: 1389946). Invitae Evidence Modeling of protein sequence and biophysical properties (such as structural, functional, and spatial information, amino acid conservation, physicochemical variation, residue mobility, and thermodynamic stability) indicates that this missense variant is not expected to disrupt DMD protein function with a negative predictive value of 95%. In summary, the available evidence is currently insufficient to determine the role of this variant in disease. Therefore, it has been classified as a Variant of Uncertain Significance.